The following is an entry in ClinVar:

ClinVar aggregate classification (germline): Uncertain significance (1 of 4 stars; one submission).

Submission:

CeGaT Center for Human Genetics Tuebingen
Classification: Uncertain significance. Last evaluated: 2023-02-01. Review status: criteria provided, single submitter. Criteria: CeGaT Center For Human Genetics Tuebingen Variant Classification Criteria Version 2. Collection method: clinical testing. Allele origin: germline. Affected: yes. Observed: 1 variant allele.
Comment: STX1B: PM2

NM_052874.5(STX1B):c.683T>C (p.Met228Thr)

Gene: STX1B (syntaxin 1B; minus strand). Cytogenetic location: 16p11.2.
Variant type: single nucleotide variant.
Coding change: c.683T>C on transcript NM_052874.5 (MANE Select); coding-DNA position 683, T replaced by C.
Protein change: p.Met228Thr; replaces methionine 228 with threonine.
Molecular consequence: missense variant.
Genome position (GRCh38, 1-based): chr16:30,993,233, A>G on the plus strand (T>C on the coding strand, the complement: STX1B is on the minus strand). VCF-style: chr16-30993233-A-G. GRCh37 (hg19) VCF-style: chr16-31004554-A-G.
Other names: short protein forms M228T.
Identifiers: ClinVar variation 2498659 (VCV002498659.28), dbSNP rs2543954478, ClinGen allele CA395646975.
Genomic context (GRCh38, chr16:30,993,233, plus strand): 5'-GACACAGCTCGCTCCACGTAGTCCACAGAATGTTCCACGTTGTACTCGATGCGGTCAATC[A>G]TCTCTCCCTGCAGACAGAGGAGACATGCACAGGGAGGGATGGGGGCTGGGCTGGAAGAGG-3'
Protein context (NP_443106.1, residues 218-238): MAMLVESQGE[Met228Thr]IDRIEYNVEH